The following is an entry in ClinVar:

ClinVar aggregate classification (germline): Pathogenic/Likely pathogenic. Review status: criteria provided, multiple submitters, no conflicts (2 of 4 stars). 5 submissions from 5 submitters: Pathogenic (3); Likely pathogenic (1). 1 of the submissions does not count toward it. Last evaluated 2024-11-12.

Conditions:
Neurodevelopmental disorder with ataxic gait, absent speech, and decreased cortical white matter. Identifiers: MedGen C4540498, MONDO:0060624, OMIM 617807.

Submissions (5):

GeneDx
Classification: Pathogenic. Last evaluated: 2024-11-12. Review status: criteria provided, single submitter. Criteria: GeneDx Variant Classification Process June 2021. Collection method: clinical testing. Allele origin: germline. Affected: yes.
Comment: Published functional studies demonstrate a damaging effect on the protein, although gold-standard functional assays have not been established for the RAB11B gene (PMID: 29106825); Not observed at significant frequency in large population cohorts (gnomAD); In silico analysis supports that this missense variant has a deleterious effect on protein structure/function; This variant is associated with the following publications: (PMID: 34740920, 33057194, 35982159, 31785789, 33644862, 29106825, 37734130)

Labcorp Genetics (formerly Invitae), Labcorp
Classification: Pathogenic. Last evaluated: 2023-05-29. Review status: criteria provided, single submitter. Criteria: Invitae Variant Classification Sherloc (09022015). Collection method: clinical testing. Allele origin: germline.
Comment: For these reasons, this variant has been classified as Pathogenic. Experimental studies have shown that this missense change affects RAB11B function (PMID: 29106825). An algorithm developed to predict the effect of missense changes on protein structure and function (PolyPhen-2) suggests that this variant is likely to be disruptive. ClinVar contains an entry for this variant (Variation ID: 453255). This missense change has been observed in individual(s) with RAB11B-related neurodevelopmental disorder (PMID: 29106825). In at least one individual the variant was observed to be de novo. This variant is not present in population databases (gnomAD no frequency). This sequence change replaces alanine, which is neutral and non-polar, with threonine, which is neutral and polar, at codon 68 of the RAB11B protein (p.Ala68Thr).

Laboratory of Medical Genetics, National & Kapodistrian University of Athens
Classification: Pathogenic for Neurodevelopmental disorder with ataxic gait, absent speech, and decreased cortical white matter. Last evaluated: 2022-06-29. Review status: criteria provided, single submitter. Criteria: ACMG Guidelines, 2015. Collection method: clinical testing. Allele origin: germline. Affected: yes.
Comment: PS4, PM2, PM6, PP3, PP5

SIB Swiss Institute of Bioinformatics
Classification: Likely pathogenic for Neurodevelopmental disorder with ataxic gait, absent speech, and decreased cortical white matter. Last evaluated: 2018-10-15. Review status: criteria provided, single submitter. Criteria: ACMG Guidelines, 2015. Collection method: curation. Allele origin: de novo.
Comment: This variant is interpreted as Likely Pathogenic, for Neurodevelopmental disorder with ataxic gait, absent speech, and decreased cortical white matter. The following ACMG Tag(s) were applied: PM6 => Assumed de novo, but without confirmation of paternity and maternity (PubMed 29106825). PM2 => Absent from controls (or at extremely low frequency if recessive) in Exome Sequencing Project, 1000 Genomes Project, or Exome Aggregation Consortium. PP3 => Multiple lines of computational evidence support a deleterious effect on the gene or gene product. PP2 => Missense variant in a gene that has a low rate of benign missense variation and in which missense variants are a common mechanism of disease.

OMIM
Classification: Pathogenic for NEURODEVELOPMENTAL DISORDER WITH ATAXIC GAIT, ABSENT SPEECH, AND DECREASED CORTICAL WHITE MATTER. Last evaluated: 2017-12-15. Review status: no assertion criteria provided. Collection method: literature only. Allele origin: germline. Not counted in ClinVar's aggregate classification.

Literature cited by the submitters: PubMed 29106825 (cited by 3 submitters).

NM_004218.4(RAB11B):c.202G>A (p.Ala68Thr)

Gene: RAB11B (RAB11B, member RAS oncogene family; plus strand). Cytogenetic location: 19p13.2.
Variant type: single nucleotide variant.
Coding change: c.202G>A on transcript NM_004218.4 (MANE Select); coding-DNA position 202, G replaced by A.
Protein change: p.Ala68Thr; replaces alanine 68 with threonine.
Molecular consequence: missense variant.
Genome position (GRCh38, 1-based): chr19:8,400,024, G>A. VCF-style: chr19-8400024-G-A. GRCh37 (hg19) VCF-style: chr19-8464908-G-A.
Other names: short protein forms A68T.
Identifiers: ClinVar variation 453255 (VCV000453255.17), dbSNP rs1555690804, ClinGen allele CA403711179.